The following is an entry in ClinVar:

ClinVar aggregate classification (germline): Uncertain significance (1 of 4 stars; one submission).

Conditions:
Cardiovascular phenotype. Identifiers: MedGen CN230736.

Submission:

Ambry Genetics
Classification: Uncertain significance for Cardiovascular phenotype. Last evaluated: 2023-07-03. Review status: criteria provided, single submitter. Criteria: Ambry Variant Classification Scheme 2023. Collection method: clinical testing. Allele origin: germline.
Comment: The c.1284_1286delGCAinsACG variant, located in coding exon 9 of the SCN10A gene, results from an in-frame deletion of GCA and insertion of ACG at nucleotide positions 1284 to 1286. This results in the substitution of the glutamine residue for an arginine residue at codon 429, an amino acid with highly similar properties. This amino acid position is well conserved in available vertebrate species. In addition, the in silico prediction for this alteration is inconclusive (Choi Y et al. PLoS ONE. 2012; 7(10):e46688). The evidence for this gene-disease relationship is limited; therefore, the clinical significance of this alteration is unclear.

NM_006514.4(SCN10A):c.1284_1286delinsACG (p.Gln429Arg)

Gene: SCN10A (sodium voltage-gated channel alpha subunit 10; minus strand). Cytogenetic location: 3p22.2.
Variant type: Indel.
Coding change: c.1284_1286delinsACG on transcript NM_006514.4 (MANE Select); coding-DNA positions 1284 to 1286, GCA replaced by ACG.
Protein change: p.Gln429Arg; replaces glutamine 429 with arginine.
Molecular consequence: missense variant.
Genome position (GRCh38, 1-based): chr3:38,756,678-38,756,680, TGC replaced by CGT on the plus strand (GCA replaced by ACG on the coding strand, the reverse complement: SCN10A is on the minus strand). VCF-style: chr3-38756678-TGC-CGT. GRCh37 (hg19) VCF-style: chr3-38798169-TGC-CGT.
Other names: c.1284_1286delinsACG, p.Gln429Arg (NM_001293306.2, NM_001293307.2); short protein forms Q429R.
Identifiers: ClinVar variation 2625761 (VCV002625761.2), dbSNP rs2470790675, ClinGen allele CA2582342851.